The following is an entry in ClinVar:

ClinVar aggregate classification (germline): Likely benign (1 of 4 stars; one submission).

gnomAD v4.1: 70 of 1,613,484 alleles (0.0043%); highest among the groups gnomAD compares: Middle Eastern, 0.099%; 1 homozygote.

Submission:

CeGaT Center for Human Genetics Tuebingen
Classification: Likely benign. Last evaluated: 2026-03-01. Review status: criteria provided, single submitter. Criteria: CeGaT Center For Human Genetics Tuebingen Variant Classification Criteria Version 2. Collection method: clinical testing. Allele origin: germline. Affected: yes. Observed: 1 variant allele.
Comment: POPDC1: BP4, BP7

NM_001199563.2(POPDC1):c.1044G>A (p.Pro348=)

Gene: POPDC1 (popeye domain cAMP effector 1; minus strand). Cytogenetic location: 6q21.
Variant type: single nucleotide variant.
Coding change: c.1044G>A on transcript NM_001199563.2 (MANE Select); coding-DNA position 1044, G replaced by A.
Protein change: p.Pro348=; no amino-acid change (proline 348 retained).
Molecular consequence: synonymous variant.
Genome position (GRCh38, 1-based): chr6:105,101,128, C>T on the plus strand (G>A on the coding strand, the complement: POPDC1 is on the minus strand). VCF-style: chr6-105101128-C-T. GRCh37 (hg19) VCF-style: chr6-105549003-C-T.
Other names: c.1044G>A, p.Pro348= (NM_007073.4, NM_147147.4).
Identifiers: ClinVar variation 4820676 (VCV004820676.4).